The following is an entry in ClinVar:

NM_001379500.1(COL18A1):c.2818C>T (p.Pro940Ser)

Genes: COL18A1 (collagen type XVIII alpha 1 chain; plus strand), SLC19A1 (solute carrier family 19 member 1; minus strand). Cytogenetic location: 21q22.3.
Variant type: single nucleotide variant.
Coding change: c.2818C>T on transcript NM_001379500.1 (MANE Select); coding-DNA position 2818, C replaced by T.
Protein change: p.Pro940Ser; replaces proline 940 with serine.
Molecular consequence: missense variant.
Genome position (GRCh38, 1-based): chr21:45,504,506, C>T. VCF-style: chr21-45504506-C-T. GRCh37 (hg19) VCF-style: chr21-46924420-C-T.
Other names: NM_130445.2:c.2818C>T; c.3358C>T, p.Pro1120Ser (NM_030582.4); c.4063C>T, p.Pro1355Ser (NM_130444.3); c.3358C>T (NM_030582.3); short protein forms P1120S, P940S, P1355S.
Identifiers: ClinVar variation 1438986 (VCV001438986.8), dbSNP rs759572850, ClinGen allele CA410499265.

ClinVar aggregate classification (germline): Uncertain significance. Review status: criteria provided, multiple submitters, no conflicts (2 of 4 stars). 3 submissions from 3 submitters: Uncertain significance (2). 1 of the submissions does not count toward it. Last evaluated 2025-02-05.

Conditions:
COL18A1-related disorder. Also called: COL18A1-related disorders; COL18A1-related condition.
Inborn genetic diseases. Identifiers: MedGen C0950123, MeSH D030342.

gnomAD v4.1: 9 of 1,396,392 alleles (0.00064%); highest among the groups gnomAD compares: East Asian, 0.0026%; no homozygotes.

Submissions (3):

Ambry Genetics
Classification: Uncertain significance for Inborn genetic diseases. Last evaluated: 2025-02-05. Review status: criteria provided, single submitter. Criteria: Ambry Variant Classification Scheme 2023. Collection method: clinical testing. Allele origin: germline.

Labcorp Genetics (formerly Invitae), Labcorp
Classification: Uncertain significance. Last evaluated: 2022-08-31. Review status: criteria provided, single submitter. Criteria: Invitae Variant Classification Sherloc (09022015). Collection method: clinical testing. Allele origin: germline.
Comment: In summary, the available evidence is currently insufficient to determine the role of this variant in disease. Therefore, it has been classified as a Variant of Uncertain Significance. ClinVar contains an entry for this variant (Variation ID: 1438986). This variant has not been reported in the literature in individuals affected with COL18A1-related conditions. The frequency data for this variant in the population databases is considered unreliable, as metrics indicate poor data quality at this position in the gnomAD database. This sequence change replaces proline, which is neutral and non-polar, with serine, which is neutral and polar, at codon 940 of the COL18A1 protein (p.Pro940Ser).

PreventionGenetics, part of Exact Sciences
Classification: Uncertain significance for COL18A1-related condition. Last evaluated: 2024-07-26. Review status: no assertion criteria provided. Collection method: clinical testing. Allele origin: germline. Not counted in ClinVar's aggregate classification.
Comment: The COL18A1 c.3358C>T variant is predicted to result in the amino acid substitution p.Pro1120Ser. To our knowledge, this variant has not been reported in the literature or in a large population database, indicating this variant is rare. At this time, the clinical significance of this variant is uncertain due to the absence of conclusive functional and genetic evidence.